The following is an entry in ClinVar:

NM_015909.4(NBAS):c.6556A>G (p.Met2186Val)

Gene: NBAS (NBAS subunit of NRZ tethering complex; minus strand). Cytogenetic location: 2p24.3.
Variant type: single nucleotide variant.
Coding change: c.6556A>G on transcript NM_015909.4 (MANE Select); coding-DNA position 6556, A replaced by G.
Protein change: p.Met2186Val; replaces methionine 2186 with valine.
Molecular consequence: missense variant. On other transcripts: non-coding transcript variant (1).
Genome position (GRCh38, 1-based): chr2:15,190,280, T>C on the plus strand (A>G on the coding strand, the complement: NBAS is on the minus strand). VCF-style: chr2-15190280-T-C. GRCh37 (hg19) VCF-style: chr2-15330404-T-C.
Other names: c.6556A>G (NM_015909.2); short protein forms M2186V.
Identifiers: ClinVar variation 2139059 (VCV002139059.3), dbSNP rs150205441, ClinGen allele CA1534979.
Genomic context (GRCh38, chr2:15,190,280, plus strand): 5'-AAACAAAAGAACTCTAATTACGCTAATTTTATGTTAATACTTACACATATTCACTTTTCA[T>C]AGGTGGCCAAGCTTGCAAAAGTAAAACCAAGTGCTGAAATTCAGCCTCGTGGTGACTAGA-3'
Protein context (NP_056993.2, residues 2176-2196): LVLLLQAWPP[Met2186Val]KSEYVITNNP

ClinVar aggregate classification (germline): Uncertain significance. Review status: criteria provided, multiple submitters, no conflicts (2 of 4 stars). 2 submissions from 2 submitters: Uncertain significance (2). Last evaluated 2025-08-18.

Conditions:
Inborn genetic diseases. Identifiers: MedGen C0950123, MeSH D030342.

Allele frequency attached by ClinVar (database versions not stated): gnomAD 0.00003; TOPMed 0.00003; ExAC 0.00007; ESP Exome Variant Server 0.00015; 1000 Genomes Project 30x 0.00016; 1000 Genomes Project 0.00020.
gnomAD v4.1: 68 of 1,613,926 alleles (0.0042%); highest among the groups gnomAD compares: Non-Finnish European, 0.0053%; no homozygotes.

Submissions (2):

Labcorp Genetics (formerly Invitae), Labcorp
Classification: Uncertain significance. Last evaluated: 2025-08-18. Review status: criteria provided, single submitter. Criteria: Invitae Variant Classification Sherloc (09022015). Collection method: clinical testing. Allele origin: germline.
Comment: This sequence change replaces methionine, which is neutral and non-polar, with valine, which is neutral and non-polar, at codon 2186 of the NBAS protein (p.Met2186Val). This variant is present in population databases (rs150205441, gnomAD 0.006%). This variant has not been reported in the literature in individuals affected with NBAS-related conditions. ClinVar contains an entry for this variant (Variation ID: 2139059). Invitae Evidence Modeling of protein sequence and biophysical properties (such as structural, functional, and spatial information, amino acid conservation, physicochemical variation, residue mobility, and thermodynamic stability) indicates that this missense variant is not expected to disrupt NBAS protein function with a negative predictive value of 95%. In summary, the available evidence is currently insufficient to determine the role of this variant in disease. Therefore, it has been classified as a Variant of Uncertain Significance.

Ambry Genetics
Classification: Uncertain significance for Inborn genetic diseases. Last evaluated: 2025-01-21. Review status: criteria provided, single submitter. Criteria: Ambry Variant Classification Scheme 2023. Collection method: clinical testing. Allele origin: germline.